The following is an entry in ClinVar:

NM_175710.2(CR1L):c.51T>A (p.Pro17=)

Gene: CR1L (complement C3b/C4b receptor 1 like; plus strand). Cytogenetic location: 1q32.2.
Variant type: single nucleotide variant.
Coding change: c.51T>A on transcript NM_175710.2 (MANE Select); coding-DNA position 51, T replaced by A.
Protein change: p.Pro17=; no amino-acid change (proline 17 retained).
Molecular consequence: synonymous variant.
Genome position (GRCh38, 1-based): chr1:207,645,284, T>A. VCF-style: chr1-207645284-T-A. GRCh37 (hg19) VCF-style: chr1-207818629-T-A.
Identifiers: ClinVar variation 2639876 (VCV002639876.24), dbSNP rs199980076, ClinGen allele CA1370832.

ClinVar aggregate classification (germline): Likely benign (1 of 4 stars; one submission).

Allele frequency attached by ClinVar (database versions not stated): gnomAD 0.00005; TOPMed 0.00010; ExAC 0.00014; ESP Exome Variant Server 0.00015.
gnomAD v4.1: 188 of 1,613,824 alleles (0.012%); highest among the groups gnomAD compares: Middle Eastern, 0.34%; no homozygotes.

Submission:

CeGaT Center for Human Genetics Tuebingen
Classification: Likely benign. Last evaluated: 2022-07-01. Review status: criteria provided, single submitter. Criteria: CeGaT Center For Human Genetics Tuebingen Variant Classification Criteria Version 2. Collection method: clinical testing. Allele origin: germline. Affected: yes. Observed: 1 variant allele.
Comment: CR1L: BP4, BP7